The following is an entry in ClinVar:

NM_020949.3(SLC7A14):c.379G>A (p.Val127Ile)

Genes: SLC7A14 (solute carrier family 7 member 14; minus strand), SLC7A14-AS1 (SLC7A14 antisense RNA 1; plus strand). Cytogenetic location: 3q26.2.
Variant type: single nucleotide variant.
Coding change: c.379G>A on transcript NM_020949.3 (MANE Select); coding-DNA position 379, G replaced by A.
Protein change: p.Val127Ile; replaces valine 127 with isoleucine.
Molecular consequence: missense variant.
Genome position (GRCh38, 1-based): chr3:170,501,271, C>T on the plus strand (G>A on the coding strand, the complement: SLC7A14 is on the minus strand). VCF-style: chr3-170501271-C-T. GRCh37 (hg19) VCF-style: chr3-170219060-C-T.
Other names: short protein forms V127I.
Identifiers: ClinVar variation 1954891 (VCV001954891.7), dbSNP rs983858154, ClinGen allele CA88021056.

ClinVar aggregate classification (germline): Uncertain significance. Review status: criteria provided, multiple submitters, no conflicts (2 of 4 stars). 2 submissions from 2 submitters: Uncertain significance (2). Last evaluated 2022-12-01.

Conditions:
Retinitis pigmentosa (RP). Identifiers: Orphanet 791, MedGen C0035334, MeSH D012174, MONDO:0019200, OMIM 268000. Inheritance: Autosomal dominant, autosomal recessive and X linked inheritance.

Allele frequency attached by ClinVar (database versions not stated): gnomAD 0.00001; gnomAD exomes 0.00001; TOPMed 0.00002.
gnomAD v4.1: 11 of 1,614,094 alleles (0.00068%); highest among the groups gnomAD compares: African/African-American, 0.0013%; no homozygotes.

Submissions (2):

Ambry Genetics
Classification: Uncertain significance. Last evaluated: 2022-12-01. Review status: criteria provided, single submitter. Criteria: Ambry Variant Classification Scheme 2023. Collection method: clinical testing. Allele origin: germline.

Labcorp Genetics (formerly Invitae), Labcorp
Classification: Uncertain significance. Last evaluated: 2022-04-06. Review status: criteria provided, single submitter. Criteria: Invitae Variant Classification Sherloc (09022015). Collection method: clinical testing. Allele origin: germline.
Comment: In summary, the available evidence is currently insufficient to determine the role of this variant in disease. Therefore, it has been classified as a Variant of Uncertain Significance. Algorithms developed to predict the effect of missense changes on protein structure and function are either unavailable or do not agree on the potential impact of this missense change (SIFT: "Tolerated"; PolyPhen-2: "Probably Damaging"; Align-GVGD: "Class C0"). This variant has not been reported in the literature in individuals affected with SLC7A14-related conditions. This variant is not present in population databases (gnomAD no frequency). This sequence change replaces valine, which is neutral and non-polar, with isoleucine, which is neutral and non-polar, at codon 127 of the SLC7A14 protein (p.Val127Ile).